The following is an entry in ClinVar:

NM_014629.4(ARHGEF10):c.3168G>A (p.Trp1056Ter)

Gene: ARHGEF10 (Rho guanine nucleotide exchange factor 10; plus strand). Cytogenetic location: 8p23.3.
Variant type: single nucleotide variant.
Coding change: c.3168G>A on transcript NM_014629.4 (MANE Select); coding-DNA position 3168, G replaced by A.
Protein change: p.Trp1056Ter; replaces tryptophan 1056 with a stop codon.
Molecular consequence: nonsense.
Genome position (GRCh38, 1-based): chr8:1,933,888, G>A. VCF-style: chr8-1933888-G-A. GRCh37 (hg19) VCF-style: chr8-1882054-G-A.
Other names: c.3054G>A, p.Trp1018Ter (NM_001308152.2); c.3168G>A, p.Trp1056Ter (NM_001308153.3); short protein forms W1018*, W1056*, W1080*.
Identifiers: ClinVar variation 3701138 (VCV003701138.2).

ClinVar aggregate classification (germline): Uncertain significance (1 of 4 stars; one submission).

gnomAD v4.1: 1 of 1,614,174 alleles (0.000062%); no homozygotes.

Submission:

Labcorp Genetics (formerly Invitae), Labcorp
Classification: Uncertain significance. Last evaluated: 2024-08-14. Review status: criteria provided, single submitter. Criteria: Invitae Variant Classification Sherloc (09022015). Collection method: clinical testing. Allele origin: germline.
Comment: This sequence change creates a premature translational stop signal (p.Trp1056*) in the ARHGEF10 gene. It is expected to result in an absent or disrupted protein product. However, the current clinical and genetic evidence is not sufficient to establish whether loss-of-function variants in ARHGEF10 cause disease. This variant is not present in population databases (gnomAD no frequency). This variant has not been reported in the literature in individuals affected with ARHGEF10-related conditions. In summary, the available evidence is currently insufficient to determine the role of this variant in disease. Therefore, it has been classified as a Variant of Uncertain Significance.